The following is an entry in ClinVar:

NM_000215.4(JAK3):c.524G>A (p.Arg175Gln)

Gene: JAK3 (Janus kinase 3; minus strand). Cytogenetic location: 19p13.11.
Variant type: single nucleotide variant.
Coding change: c.524G>A on transcript NM_000215.4 (MANE Select); coding-DNA position 524, G replaced by A.
Protein change: p.Arg175Gln; replaces arginine 175 with glutamine.
Molecular consequence: missense variant.
Genome position (GRCh38, 1-based): chr19:17,843,069, C>T on the plus strand (G>A on the coding strand, the complement: JAK3 is on the minus strand). VCF-style: chr19-17843069-C-T. GRCh37 (hg19) VCF-style: chr19-17953878-C-T.
Other names: short protein forms R175Q.
Identifiers: ClinVar variation 1473539 (VCV001473539.5), dbSNP rs776089693, ClinGen allele CA9302143.
Genomic context (GRCh38, chr19:17,843,069, plus strand): 5'-CAGCCTGGTGGCTCTCACCTGACAGTCTTCAGCAGCTCTCCCGGCCGCTGGGCCTGCTCT[C>T]GCGCCATCCGGGCCAGGTCCAACACGGCCAGGCTGAGACACTCACCCTGCTCCTTGAGAC-3'
Protein context (NP_000206.2, residues 165-185): LAVLDLARMA[Arg175Gln]EQAQRPGELL

ClinVar aggregate classification (germline): Uncertain significance (1 of 4 stars; one submission).

Conditions:
T-B+ severe combined immunodeficiency due to JAK3 deficiency. Also called: SCID, autosomal recessive, T-negative/B-positive type; SCID, T CELL-NEGATIVE, B CELL-POSITIVE, NK CELL-NEGATIVE. Identifiers: Orphanet 35078, MedGen C1833275, MONDO:0010938, OMIM 600802.

Allele frequency attached by ClinVar (database versions not stated): gnomAD 0.00004 and 0.00003; gnomAD exomes 0.00002; TOPMed 0.00003.
gnomAD v4.1: 27 of 1,610,636 alleles (0.0017%); highest among the groups gnomAD compares: East Asian, 0.0045%; no homozygotes.

Submission:

Labcorp Genetics (formerly Invitae), Labcorp
Classification: Uncertain significance for T-B+ severe combined immunodeficiency due to JAK3 deficiency. Last evaluated: 2021-09-02. Review status: criteria provided, single submitter. Criteria: Invitae Variant Classification Sherloc (09022015). Collection method: clinical testing. Allele origin: germline.
Comment: This sequence change replaces arginine with glutamine at codon 175 of the JAK3 protein (p.Arg175Gln). The arginine residue is weakly conserved and there is a small physicochemical difference between arginine and glutamine. This variant is present in population databases (rs776089693, ExAC 0.01%). This variant has not been reported in the literature in individuals affected with JAK3-related conditions. Advanced modeling of protein sequence and biophysical properties (such as structural, functional, and spatial information, amino acid conservation, physicochemical variation, residue mobility, and thermodynamic stability) performed at Invitae indicates that this missense variant is not expected to disrupt JAK3 protein function. In summary, the available evidence is currently insufficient to determine the role of this variant in disease. Therefore, it has been classified as a Variant of Uncertain Significance.